The following is an entry in ClinVar:

ClinVar aggregate classification (germline): Likely pathogenic (1 of 4 stars; one submission).

Conditions:
Autosomal recessive polycystic kidney disease (ARPKD). Also called: AR polycystic kidney disease. Identifiers: Orphanet 731, Orphanet 8378, MedGen C0085548, MeSH D017044, MONDO:0009889.

Submission:

Labcorp Genetics (formerly Invitae), Labcorp
Classification: Likely pathogenic for Autosomal recessive polycystic kidney disease. Last evaluated: 2020-12-09. Review status: criteria provided, single submitter. Criteria: Invitae Variant Classification Sherloc (09022015). Collection method: clinical testing. Allele origin: germline.
Comment: This sequence change affects an acceptor splice site in intron 39 of the PKHD1 gene. It is expected to disrupt RNA splicing. Variants that disrupt the donor or acceptor splice site typically lead to a loss of protein function (PMID: 16199547), and loss-of-function variants in PKHD1 are known to be pathogenic (PMID: 19940839). Algorithms developed to predict the effect of sequence changes on RNA splicing suggest that this variant may disrupt the consensus splice site, but this prediction has not been confirmed by published transcriptional studies. In summary, the currently available evidence indicates that the variant is pathogenic, but additional data are needed to prove that conclusively. Therefore, this variant has been classified as Likely Pathogenic. This variant is not present in population databases (ExAC no frequency). This variant has not been reported in the literature in individuals with PKHD1-related conditions.

Literature cited by the submitters: PubMed 16199547; PubMed 19940839.

NM_138694.4(PKHD1):c.6491-2A>G

Gene: PKHD1 (PKHD1 ciliary IPT domain containing fibrocystin/polyductin; minus strand). Cytogenetic location: 6p12.2.
Variant type: single nucleotide variant.
Coding change: c.6491-2A>G on transcript NM_138694.4 (MANE Select); the canonical splice acceptor site of the intron before coding-DNA position 6491, A replaced by G.
Molecular consequence: splice acceptor variant.
Genome position (GRCh38, 1-based): chr6:51,909,476, T>C on the plus strand (A>G on the coding strand, the complement: PKHD1 is on the minus strand). VCF-style: chr6-51909476-T-C. GRCh37 (hg19) VCF-style: chr6-51774274-T-C.
Other names: c.6491-2A>G (NM_170724.3).
Identifiers: ClinVar variation 1347082 (VCV001347082.8), dbSNP rs2127653183, ClinGen allele CA364435952.